The following is an entry in ClinVar:

ClinVar aggregate classification (germline): Uncertain significance (3 of 4 stars; one submission).

Conditions:
Open-angle glaucoma. Identifiers: MedGen C0017612, MONDO:0005338, HP:0012108.

Allele frequency attached by ClinVar (database versions not stated): TOPMed 0.00001; gnomAD exomes 0.00002; gnomAD 0.00003; ExAC 0.00005; ESP Exome Variant Server 0.00008.
gnomAD v4.1: 35 of 1,613,914 alleles (0.0022%); highest among the groups gnomAD compares: Middle Eastern, 0.016%; no homozygotes.

Submission:

ClinGen Glaucoma Variant Curation Expert Panel
Classification: Uncertain significance for Open-angle glaucoma. Last evaluated: 2025-12-03. Review status: reviewed by expert panel. Criteria: ClinGen Glaucoma ACMG Specifications V2.0.0 Approved. Collection method: curation. Allele origin: germline. Inheritance: Autosomal dominant inheritance.
Comment: The c.974C>T variant in MYOC is a missense variant predicted to cause substitution of Threonine by Methionine at amino acid 325 (p.Thr325Met). The highest minor allele frequency of this variant, in a genetic ancestry group ≥ 10,000 alleles, was in the South Asian genetic ancestry group of gnomAD (v4.1.0) = 0.0001537 (14 alleles out of 91,072), which did not meet the PM2_Supporting allele frequency threshold (≤ 0.0001) or the BS1 allele frequency threshold (≥ 0.001). The REVEL score = 0.777, which was within the 0.773-0.931 range for PP3_Moderate, predicting a damaging effect on MYOC function. There was no functional evidence predicting a damaging or benign impact of this variant on MYOC function. Although a proband with primary open angle glaucoma had been reported carrying this variant, PM2_Supporting was not met, therefore PS4 did not apply. In summary, this variant met the criteria to receive a score of 2 and to be classified as a variant of uncertain significance (uncertain significance classification range -1 to 5, adapted from PMID: 32720330) for primary open angle glaucoma based on the ACMG/AMP criteria met, as specified by the ClinGen Glaucoma VCEP (v2.0.0, 5 Dec 2024): PP3_Moderate

NM_000261.2(MYOC):c.974C>T (p.Thr325Met)

Gene: MYOC (myocilin; minus strand). Cytogenetic location: 1q24.3.
Variant type: single nucleotide variant.
Coding change: c.974C>T on transcript NM_000261.2 (MANE Select); coding-DNA position 974, C replaced by T.
Protein change: p.Thr325Met; replaces threonine 325 with methionine.
Molecular consequence: missense variant.
Genome position (GRCh38, 1-based): chr1:171,636,466, G>A on the plus strand (C>T on the coding strand, the complement: MYOC is on the minus strand). VCF-style: chr1-171636466-G-A. GRCh37 (hg19) VCF-style: chr1-171605606-G-A.
Other names: NM_000261.2:c.974C>T; short protein forms T325M.
Identifiers: ClinVar variation 1810370 (VCV001810370.2), dbSNP rs147122394, ClinGen allele CA1244109.